The following is an entry in ClinVar:

ClinVar aggregate classification (germline): Uncertain significance (1 of 4 stars; one submission).

Submission:

Ambry Genetics
Classification: Uncertain significance. Last evaluated: 2025-02-03. Review status: criteria provided, single submitter. Criteria: Ambry Variant Classification Scheme 2023. Collection method: clinical testing. Allele origin: germline.
Comment: The p.F420L variant (also known as c.1258T>C), located in coding exon 10 of the RECQL gene, results from a T to C substitution at nucleotide position 1258. The phenylalanine at codon 420 is replaced by leucine, an amino acid with highly similar properties. This amino acid position is conserved. In addition, this alteration is predicted to be deleterious by in silico analysis. Since supporting evidence is limited at this time, the clinical significance of this alteration remains unclear.

NM_002907.4(RECQL):c.1258T>C (p.Phe420Leu)

Gene: RECQL (RecQ like helicase; minus strand). Cytogenetic location: 12p12.1.
Variant type: single nucleotide variant.
Coding change: c.1258T>C on transcript NM_002907.4 (MANE Select); coding-DNA position 1258, T replaced by C.
Protein change: p.Phe420Leu; replaces phenylalanine 420 with leucine.
Molecular consequence: missense variant.
Genome position (GRCh38, 1-based): chr12:21,474,938, A>G on the plus strand (T>C on the coding strand, the complement: RECQL is on the minus strand). VCF-style: chr12-21474938-A-G. GRCh37 (hg19) VCF-style: chr12-21627872-A-G.
Other names: c.1258T>C, p.Phe420Leu (NM_032941.3); short protein forms F420L.
Identifiers: ClinVar variation 2450950 (VCV002450950.3), dbSNP rs1234057506, ClinGen allele CA384118754.
Genomic context (GRCh38, chr12:21,474,938, plus strand): 5'-GCTTCTGCTGTCCCACATTTTCCATCACCACCATTGAACTTATTCTGAATATATCTCCAA[A>G]GCCGTAGTACAAAATACAGTCTGCTTTCATGTCATCTCGACCTGTGGTGTGAGAAACCTT-3'
Protein context (NP_002898.2, residues 410-430): MKADCILYYG[Phe420Leu]GDIFRISSMV